The following is an entry in ClinVar:

ClinVar aggregate classification (germline): Uncertain significance (1 of 4 stars; one submission).

Conditions:
Cardiovascular phenotype. Identifiers: MedGen CN230736.

Submission:

Ambry Genetics
Classification: Uncertain significance for Cardiovascular phenotype. Last evaluated: 2023-03-19. Review status: criteria provided, single submitter. Criteria: Ambry Variant Classification Scheme 2023. Collection method: clinical testing. Allele origin: germline.
Comment: The p.G212S variant (also known as c.634G>A), located in coding exon 1 of the ALPK3 gene, results from a G to A substitution at nucleotide position 634. The glycine at codon 212 is replaced by serine, an amino acid with similar properties. This amino acid position is conserved. In addition, this alteration is predicted to be tolerated by in silico analysis. Since supporting evidence is limited at this time, the clinical significance of this alteration remains unclear.

NM_020778.5(ALPK3):c.28G>A (p.Gly10Ser)

Gene: ALPK3 (alpha kinase 3; plus strand). Cytogenetic location: 15q25.3.
Variant type: single nucleotide variant.
Coding change: c.28G>A on transcript NM_020778.5 (MANE Select); coding-DNA position 28, G replaced by A.
Protein change: p.Gly10Ser; replaces glycine 10 with serine.
Molecular consequence: missense variant.
Genome position (GRCh38, 1-based): chr15:84,817,480, G>A. VCF-style: chr15-84817480-G-A. GRCh37 (hg19) VCF-style: chr15-85360711-G-A.
Other names: short protein forms G10S.
Identifiers: ClinVar variation 2563931 (VCV002563931.2), dbSNP rs2505689138, ClinGen allele CA393369317.